The following is an entry in ClinVar:

ClinVar aggregate classification (germline): Uncertain significance (1 of 4 stars; one submission).

Allele frequency attached by ClinVar (database versions not stated): ExAC 0.00001; gnomAD exomes 0.00001.
gnomAD v4.1: 14 of 1,614,140 alleles (0.00087%); highest among the groups gnomAD compares: South Asian, 0.015%; 1 homozygote.

Submission:

Labcorp Genetics (formerly Invitae), Labcorp
Classification: Uncertain significance. Last evaluated: 2023-11-06. Review status: criteria provided, single submitter. Criteria: Invitae Variant Classification Sherloc (09022015). Collection method: clinical testing. Allele origin: germline.
Comment: This sequence change replaces leucine, which is neutral and non-polar, with phenylalanine, which is neutral and non-polar, at codon 257 of the KCNJ13 protein (p.Leu257Phe). This variant is present in population databases (rs760640227, gnomAD 0.01%). This variant has not been reported in the literature in individuals affected with KCNJ13-related conditions. ClinVar contains an entry for this variant (Variation ID: 1722169). Advanced modeling of protein sequence and biophysical properties (such as structural, functional, and spatial information, amino acid conservation, physicochemical variation, residue mobility, and thermodynamic stability) performed at Invitae indicates that this missense variant is not expected to disrupt KCNJ13 protein function with a negative predictive value of 80%. In summary, the available evidence is currently insufficient to determine the role of this variant in disease. Therefore, it has been classified as a Variant of Uncertain Significance.

NM_002242.4(KCNJ13):c.769C>T (p.Leu257Phe)

Genes: GIGYF2 (GRB10 interacting GYF protein 2; plus strand), KCNJ13 (potassium inwardly rectifying channel subfamily J member 13; minus strand). Cytogenetic location: 2q37.1.
Variant type: single nucleotide variant.
Coding change: c.769C>T on transcript NM_002242.4 (MANE Select); coding-DNA position 769, C replaced by T.
Protein change: p.Leu257Phe; replaces leucine 257 with phenylalanine.
Molecular consequence: missense variant. On other transcripts: 3 prime UTR variant (1), intron variant (4).
Genome position (GRCh38, 1-based): chr2:232,768,505, G>A on the plus strand (C>T on the coding strand, the complement: KCNJ13 is on the minus strand). VCF-style: chr2-232768505-G-A. GRCh37 (hg19) VCF-style: chr2-233633215-G-A.
Other names: c.*248C>T (NM_001172416.1); c.529C>T, p.Leu177Phe (NM_001172417.1); c.532+7069G>A (NM_001103146.3, NM_015575.4, NM_001103147.2 and 1 more transcripts); short protein forms L177F, L257F.
Identifiers: ClinVar variation 1722169 (VCV001722169.5), dbSNP rs760640227, ClinGen allele CA2169988.